The following is an entry in ClinVar:

ClinVar aggregate classification (germline): Uncertain significance. Review status: criteria provided, multiple submitters, no conflicts (2 of 4 stars). 3 submissions from 3 submitters: Uncertain significance (3). Last evaluated 2025-08-12.

Conditions:
Autosomal recessive limb-girdle muscular dystrophy type 2W (MDRCMTT). Also called: Muscular dystrophy, autosomal recessive, with cardiomyopathy and triangular tongue; Muscular dystrophy, limb-girdle, type 2W. Identifiers: MedGen C4225192, MONDO:0014788, OMIM 616827.

Allele frequency attached by ClinVar (database versions not stated): TOPMed 0.00002; ExAC 0.00003; gnomAD 0.00004; gnomAD exomes 0.00005.
gnomAD v4.1: 36 of 1,581,682 alleles (0.0023%); highest among the groups gnomAD compares: Admixed American, 0.013%; no homozygotes.

Submissions (3):

Ambry Genetics
Classification: Uncertain significance. Last evaluated: 2025-08-12. Review status: criteria provided, single submitter. Criteria: Ambry Variant Classification Scheme 2023. Collection method: clinical testing. Allele origin: germline.

Labcorp Genetics (formerly Invitae), Labcorp
Classification: Uncertain significance for Autosomal recessive limb-girdle muscular dystrophy type 2W. Last evaluated: 2022-11-08. Review status: criteria provided, single submitter. Criteria: Invitae Variant Classification Sherloc (09022015). Collection method: clinical testing. Allele origin: germline.
Comment: Advanced modeling of protein sequence and biophysical properties (such as structural, functional, and spatial information, amino acid conservation, physicochemical variation, residue mobility, and thermodynamic stability) performed at Invitae indicates that this missense variant is not expected to disrupt LIMS2 protein function. In summary, the available evidence is currently insufficient to determine the role of this variant in disease. Therefore, it has been classified as a Variant of Uncertain Significance. ClinVar contains an entry for this variant (Variation ID: 1438959). This variant has not been reported in the literature in individuals affected with LIMS2-related conditions. The frequency data for this variant in the population databases is considered unreliable, as metrics indicate poor data quality at this position in the gnomAD database. This sequence change replaces arginine, which is basic and polar, with tryptophan, which is neutral and slightly polar, at codon 164 of the LIMS2 protein (p.Arg164Trp).

Revvity Omics, Revvity
Classification: Uncertain significance for Autosomal recessive limb-girdle muscular dystrophy type 2W. Last evaluated: 2019-12-09. Review status: criteria provided, single submitter. Criteria: ACMG Guidelines, 2015. Collection method: clinical testing. Allele origin: germline.

NM_001161403.3(LIMS2):c.424C>T (p.Arg142Trp)

Gene: LIMS2 (LIM zinc finger domain containing 2; minus strand). Cytogenetic location: 2q14.3.
Variant type: single nucleotide variant.
Coding change: c.424C>T on transcript NM_001161403.3 (MANE Select); coding-DNA position 424, C replaced by T.
Protein change: p.Arg142Trp; replaces arginine 142 with tryptophan.
Molecular consequence: missense variant. On other transcripts: 5 prime UTR variant (1).
Genome position (GRCh38, 1-based): chr2:127,643,008, G>A on the plus strand (C>T on the coding strand, the complement: LIMS2 is on the minus strand). VCF-style: chr2-127643008-G-A. GRCh37 (hg19) VCF-style: chr2-128400583-G-A.
Other names: c.490C>T, p.Arg164Trp (NM_001136037.4); c.409C>T, p.Arg137Trp (NM_001161404.2); c.-33C>T (NM_001256542.2); c.496C>T, p.Arg166Trp (NM_017980.5); c.490C>T (NM_001136037.2); c.496C>T (NM_017980.4); short protein forms R164W, R142W, R166W, R137W.
Identifiers: ClinVar variation 1438959 (VCV001438959.11), dbSNP rs780800196, ClinGen allele CA1863061.